The following is an entry in ClinVar:

NM_014845.6(FIG4):c.263G>T (p.Arg88Leu)

Gene: FIG4 (FIG4 phosphoinositide 5-phosphatase; plus strand). Cytogenetic location: 6q21.
Variant type: single nucleotide variant.
Coding change: c.263G>T on transcript NM_014845.6 (MANE Select); coding-DNA position 263, G replaced by T.
Protein change: p.Arg88Leu; replaces arginine 88 with leucine.
Molecular consequence: missense variant.
Genome position (GRCh38, 1-based): chr6:109,716,542, G>T. VCF-style: chr6-109716542-G-T. GRCh37 (hg19) VCF-style: chr6-110037745-G-T.
Other names: short protein forms R88L.
Identifiers: ClinVar variation 2039296 (VCV002039296.2), dbSNP rs879254310, ClinGen allele CA365212637.

ClinVar aggregate classification (germline): Uncertain significance. Review status: criteria provided, multiple submitters, no conflicts (2 of 4 stars). 2 submissions from 2 submitters: Uncertain significance (2). Last evaluated 2023-04-05.

Conditions:
Charcot-Marie-Tooth disease type 4. Also called: Charcot-Marie-Tooth disease, type IV; Charcot-Marie-Tooth, Type 4. Identifiers: Orphanet 64749, MedGen C4082197, MONDO:0018995.

Submissions (2):

Blueprint Genetics
Classification: Uncertain significance. Last evaluated: 2023-04-05. Review status: criteria provided, single submitter. Criteria: ACMG Guidelines, 2015. Collection method: clinical testing. Allele origin: germline.

Labcorp Genetics (formerly Invitae), Labcorp
Classification: Uncertain significance for Charcot-Marie-Tooth disease type 4. Last evaluated: 2022-07-10. Review status: criteria provided, single submitter. Criteria: Invitae Variant Classification Sherloc (09022015). Collection method: clinical testing. Allele origin: germline.
Comment: This sequence change replaces arginine, which is basic and polar, with leucine, which is neutral and non-polar, at codon 88 of the FIG4 protein (p.Arg88Leu). This variant is not present in population databases (gnomAD no frequency). This variant has not been reported in the literature in individuals affected with FIG4-related conditions. Algorithms developed to predict the effect of missense changes on protein structure and function are either unavailable or do not agree on the potential impact of this missense change (SIFT: "Deleterious"; PolyPhen-2: "Benign"; Align-GVGD: "Class C0"). In summary, the available evidence is currently insufficient to determine the role of this variant in disease. Therefore, it has been classified as a Variant of Uncertain Significance.